The following is an entry in ClinVar:

ClinVar aggregate classification (germline): Uncertain significance (1 of 4 stars; one submission).

Conditions:
Inborn genetic diseases. Identifiers: MedGen C0950123, MeSH D030342.

Submission:

Ambry Genetics
Classification: Uncertain significance for Inborn genetic diseases. Last evaluated: 2025-01-10. Review status: criteria provided, single submitter. Criteria: Ambry Variant Classification Scheme 2023. Collection method: clinical testing. Allele origin: germline.
Comment: The p.A496D variant (also known as c.1487C>A), located in coding exon 12 of the FANCG gene, results from a C to A substitution at nucleotide position 1487. The alanine at codon 496 is replaced by aspartic acid, an amino acid with dissimilar properties. This amino acid position is conserved. In addition, this alteration is predicted to be tolerated by in silico analysis. Based on the available evidence, the clinical significance of this variant remains unclear.

NM_004629.2(FANCG):c.1487C>A (p.Ala496Asp)

Gene: FANCG (FA complementation group G; minus strand). Cytogenetic location: 9p13.3.
Variant type: single nucleotide variant.
Coding change: c.1487C>A on transcript NM_004629.2 (MANE Select); coding-DNA position 1487, C replaced by A.
Protein change: p.Ala496Asp; replaces alanine 496 with aspartic acid.
Molecular consequence: missense variant.
Genome position (GRCh38, 1-based): chr9:35,075,076, G>T on the plus strand (C>A on the coding strand, the complement: FANCG is on the minus strand). VCF-style: chr9-35075076-G-T. GRCh37 (hg19) VCF-style: chr9-35075073-G-T.
Other names: short protein forms A496D.
Identifiers: ClinVar variation 3848403 (VCV003848403.1).